The following is an entry in ClinVar:

NM_001371727.1(GABRB2):c.238-18T>C

Gene: GABRB2 (gamma-aminobutyric acid type A receptor subunit beta2; minus strand). Cytogenetic location: 5q34.
Variant type: single nucleotide variant.
Coding change: c.238-18T>C on transcript NM_001371727.1 (MANE Select); 18 bases into the intron before coding-DNA position 238, T replaced by C.
Molecular consequence: intron variant.
Genome position (GRCh38, 1-based): chr5:161,459,862, A>G on the plus strand (T>C on the coding strand, the complement: GABRB2 is on the minus strand). VCF-style: chr5-161459862-A-G. GRCh37 (hg19) VCF-style: chr5-160886868-A-G.
Other names: c.238-18T>C (NM_000813.3, NM_021911.3).
Identifiers: ClinVar variation 506730 (VCV000506730.10), dbSNP rs1485793918, ClinGen allele CA564438447.

ClinVar aggregate classification (germline): Likely benign. Review status: criteria provided, multiple submitters, no conflicts (2 of 4 stars). 3 submissions from 3 submitters: Likely benign (3). Last evaluated 2025-05-26.

Conditions:
Intellectual disability. Also called: Intellectual developmental disorder; intellectual disabilities; Intellectual functioning disability. Identifiers: MedGen C3714756, MeSH D008607, MONDO:0001071, HP:0001249.

Allele frequency attached by ClinVar (database versions not stated): gnomAD exomes 0.00002; TOPMed 0.00003.
gnomAD v4.1: 5 of 1,522,736 alleles (0.00033%); highest among the groups gnomAD compares: Admixed American, 0.0034%; no homozygotes.

Submissions (3):

Labcorp Genetics (formerly Invitae), Labcorp
Classification: Likely benign for Intellectual disability. Last evaluated: 2025-05-26. Review status: criteria provided, single submitter. Criteria: Invitae Variant Classification Sherloc (09022015). Collection method: clinical testing. Allele origin: germline.

Blueprint Genetics
Classification: Likely benign. Last evaluated: 2024-09-19. Review status: criteria provided, single submitter. Criteria: ACMG Guidelines, 2015. Collection method: clinical testing. Allele origin: germline.

GeneDx
Classification: Likely benign. Last evaluated: 2017-04-18. Review status: criteria provided, single submitter. Criteria: GeneDx Variant Classification (06012015). Collection method: clinical testing. Allele origin: germline. Affected: yes.
Comment: This variant is considered likely benign or benign based on one or more of the following criteria: it is a conservative change, it occurs at a poorly conserved position in the protein, it is predicted to be benign by multiple in silico algorithms, and/or has population frequency not consistent with disease.